The following is an entry in ClinVar:

ClinVar aggregate classification (germline): Uncertain significance. Review status: criteria provided, multiple submitters, no conflicts (2 of 4 stars). 2 submissions from 2 submitters: Uncertain significance (2). Last evaluated 2025-09-29.

Conditions:
Acute myeloid leukemia (AML). Also called: Leukemia, acute myeloid, somatic; Leukemia, acute myelogenous, somatic; Acute myeloid leukemia, adult; AML adult; Acute non-lymphocytic leukemia; Acute granulocytic leukemia. Identifiers: Orphanet 519, MedGen C0023467, MeSH D015470, MONDO:0018874, OMIM 601626, HP:0004808. Disease mechanism: Constitutively activated FLT3.
Inborn genetic diseases. Identifiers: MedGen C0950123, MeSH D030342.

Submissions (2):

Ambry Genetics
Classification: Uncertain significance for Inborn genetic diseases. Last evaluated: 2025-09-29. Review status: criteria provided, single submitter. Criteria: Ambry Variant Classification Scheme 2023. Collection method: clinical testing. Allele origin: germline.
Comment: The p.H58Q variant (also known as c.174C>G), located in coding exon 1 of the CEBPA gene, results from a C to G substitution at nucleotide position 174. The histidine at codon 58 is replaced by glutamine, an amino acid with highly similar properties. This amino acid position is conserved. In addition, this alteration is predicted to be tolerated by in silico analysis. Based on the available evidence, the clinical significance of this variant remains unclear.

Labcorp Genetics (formerly Invitae), Labcorp
Classification: Uncertain significance for Acute myeloid leukemia. Last evaluated: 2023-03-18. Review status: criteria provided, single submitter. Criteria: Invitae Variant Classification Sherloc (09022015). Collection method: clinical testing. Allele origin: germline.
Comment: In summary, the available evidence is currently insufficient to determine the role of this variant in disease. Therefore, it has been classified as a Variant of Uncertain Significance. Advanced modeling of protein sequence and biophysical properties (such as structural, functional, and spatial information, amino acid conservation, physicochemical variation, residue mobility, and thermodynamic stability) performed at Invitae indicates that this missense variant is not expected to disrupt CEBPA protein function. ClinVar contains an entry for this variant (Variation ID: 1366703). This variant has not been reported in the literature in individuals affected with CEBPA-related conditions. This variant is not present in population databases (gnomAD no frequency). This sequence change replaces histidine, which is basic and polar, with glutamine, which is neutral and polar, at codon 58 of the CEBPA protein (p.His58Gln).

NM_004364.5(CEBPA):c.174C>G (p.His58Gln)

Gene: CEBPA (CCAAT enhancer binding protein alpha; minus strand). Cytogenetic location: 19q13.11.
Variant type: single nucleotide variant.
Coding change: c.174C>G on transcript NM_004364.5 (MANE Select); coding-DNA position 174, C replaced by G.
Protein change: p.His58Gln; replaces histidine 58 with glutamine.
Molecular consequence: missense variant. On other transcripts: 5 prime UTR variant (1).
Genome position (GRCh38, 1-based): chr19:33,302,241, G>C on the plus strand (C>G on the coding strand, the complement: CEBPA is on the minus strand). VCF-style: chr19-33302241-G-C. GRCh37 (hg19) VCF-style: chr19-33793147-G-C.
Other names: c.-184C>G (NM_001285829.2); c.279C>G, p.His93Gln (NM_001287424.2); c.132C>G, p.His44Gln (NM_001287435.2); c.174C>G (NM_004364.3); short protein forms H93Q, H44Q, H58Q.
Identifiers: ClinVar variation 1366703 (VCV001366703.7), dbSNP rs878854699, ClinGen allele CA405275523.
Genomic context (GRCh38, chr19:33,302,241, plus strand): 5'-CAGGAACTCGTCGTTGAAGGCGGCCGGGTCGATGTAGGCGCTGATGTCGATGGACGTCTC[G>C]TGCTCGCAGATGCCGCCCAGCGGCTCCGGGGCGGCAGGTGGGGCGGGAGGCTGCGCGGGG-3'
Protein context (NP_004355.2, residues 48-68): APEPLGGICE[His58Gln]ETSIDISAYI